The following is an entry in ClinVar:

ClinVar aggregate classification (germline): Benign/Likely benign. Review status: criteria provided, multiple submitters, no conflicts (2 of 4 stars). 7 submissions from 7 submitters: Benign (1); Likely benign (6). Last evaluated 2026-04-19.

Conditions:
Ovarian cancer. Also called: OVARIAN CANCER, SOMATIC. Identifiers: Orphanet 213500, MedGen C1140680, MONDO:0008170, OMIM 167000.
Familial cancer of breast. Also called: Hereditary breast cancer; BREAST CANCER, FAMILIAL; hereditary breast carcinoma. Identifiers: Orphanet 227535, MedGen C0346153, MONDO:0016419, OMIM 114480. Disease mechanism: loss of function.
CDH1-related disorder. Also called: CDH1-related condition.
Hereditary cancer-predisposing syndrome. Also called: Neoplastic Syndromes, Hereditary; Tumor predisposition; Hereditary neoplastic syndrome; Hereditary Cancer Syndrome. Identifiers: Orphanet 140162, MedGen C0027672, MeSH D009386, MONDO:0015356.
Hereditary diffuse gastric adenocarcinoma (HDGC). Also called: DIFFUSE GASTRIC AND LOBULAR BREAST CANCER SYNDROME. Identifiers: Orphanet 26106, MedGen C1708349, MONDO:0007648, OMIM 137215.

Allele frequency attached by ClinVar (database versions not stated): gnomAD below 0.00001 and 0.00002; TOPMed 0.00001; gnomAD exomes 0.00002 and 0.00004; ExAC 0.00007; 1000 Genomes Project 0.00020; 1000 Genomes Project 30x 0.00031.
gnomAD v4.1: 26 of 1,613,892 alleles (0.0016%); highest among the groups gnomAD compares: South Asian, 0.025%; no homozygotes.

Submissions (7):

PreventionGenetics, part of Exact Sciences
Classification: Likely benign for CDH1-related condition. Last evaluated: 2026-04-19. Review status: criteria provided, single submitter. Criteria: ACMG Guidelines, 2015. Collection method: clinical testing. Allele origin: germline.
Comment: This variant is classified as likely benign based on ACMG/AMP sequence variant interpretation guidelines (Richards et al. 2015 PMID: 25741868, with internal and published modifications).

Labcorp Genetics (formerly Invitae), Labcorp
Classification: Likely benign for Hereditary diffuse gastric adenocarcinoma. Last evaluated: 2026-01-11. Review status: criteria provided, single submitter. Criteria: Invitae Variant Classification Sherloc (09022015). Collection method: clinical testing. Allele origin: germline.

Myriad Genetics, Inc.
Classification: Benign for Hereditary diffuse gastric adenocarcinoma. Last evaluated: 2024-09-12. Review status: criteria provided, single submitter. Criteria: Myriad Autosomal Dominant, Autosomal Recessive and X-Linked Classification Criteria (2023). Collection method: clinical testing. Allele origin: unknown.
Comment: This variant is considered benign. This variant is a silent/synonymous amino acid change and it is not expected to impact splicing.

Department of Pathology and Laboratory Medicine, Sinai Health System
Classification: Likely benign for Familial cancer of breast; Ovarian cancer. Last evaluated: 2023-02-28. Review status: criteria provided, single submitter. Criteria: ACMG Guidelines, 2015. Collection method: clinical testing. Allele origin: germline. Affected: yes.

GeneDx
Classification: Likely benign. Last evaluated: 2018-09-18. Review status: criteria provided, single submitter. Criteria: GeneDx Variant Classification Process June 2021. Collection method: clinical testing. Allele origin: germline. Affected: yes.

Color Diagnostics, LLC DBA Color Health
Classification: Likely benign for Hereditary cancer-predisposing syndrome. Last evaluated: 2017-02-16. Review status: criteria provided, single submitter. Criteria: ACMG Guidelines, 2015. Collection method: clinical testing. Allele origin: germline.

Ambry Genetics
Classification: Likely benign for Hereditary cancer-predisposing syndrome. Last evaluated: 2015-10-12. Review status: criteria provided, single submitter. Criteria: Ambry Variant Classification Scheme 2023. Collection method: clinical testing. Allele origin: germline.

NM_004360.5(CDH1):c.183C>T (p.Thr61=)

Gene: CDH1 (cadherin 1; plus strand). Cytogenetic location: 16q22.1.
Variant type: single nucleotide variant.
Coding change: c.183C>T on transcript NM_004360.5 (MANE Select); coding-DNA position 183, C replaced by T.
Protein change: p.Thr61=; no amino-acid change (threonine 61 retained).
Molecular consequence: synonymous variant. On other transcripts: 5 prime UTR variant (2).
Genome position (GRCh38, 1-based): chr16:68,801,689, C>T. VCF-style: chr16-68801689-C-T. GRCh37 (hg19) VCF-style: chr16-68835592-C-T.
Other names: c.183C>T, p.Thr61= (NM_001317184.2); c.-1433C>T (NM_001317185.2); c.-1637C>T (NM_001317186.2); c.183C>T (LRG_301t1, NM_004360.4).
Identifiers: ClinVar variation 184720 (VCV000184720.23), dbSNP rs575896144, ClinGen allele CA189839.